The following is an entry in ClinVar:

ClinVar aggregate classification (germline): Likely pathogenic (1 of 4 stars; one submission).

Conditions:
Inborn genetic diseases. Identifiers: MedGen C0950123, MeSH D030342.

Submission:

Ambry Genetics
Classification: Likely pathogenic for Inborn genetic diseases. Last evaluated: 2018-07-12. Review status: criteria provided, single submitter. Criteria: Ambry Variant Classification Scheme 2023. Collection method: clinical testing. Allele origin: germline.
Comment: The p.D390V variant (also known as c.1169A>T), located in coding exon 4 of the CTCF gene, results from an A to T substitution at nucleotide position 1169. The aspartic acid at codon 390 is replaced by valine, an amino acid with highly dissimilar properties. This variant has been determined to be the result of a de novo mutation or germline mosaicism in one family with an isolated case of CTCF-related neurological disease. Internal structural analysis indicates that this alteration will disrupt the hydrogen-bonding of an interacting residue that binds and stabilizes the characteristic DNA-binding residues (Ambry internal data; Hashimoto H et al. Mol. Cell, 2017 Jun;66:711-720.e3). This amino acid position is highly conserved in available vertebrate species. In addition, the in silico prediction for this alteration is inconclusive. Based on the majority of available evidence to date, this variant is likely to be pathogenic.

Literature cited by the submitters: PubMed 28529057.

NM_006565.4(CTCF):c.1169A>T (p.Asp390Val)

Gene: CTCF (CCCTC-binding factor; plus strand). Cytogenetic location: 16q22.1.
Variant type: single nucleotide variant.
Coding change: c.1169A>T on transcript NM_006565.4 (MANE Select); coding-DNA position 1169, A replaced by T.
Protein change: p.Asp390Val; replaces aspartic acid 390 with valine.
Molecular consequence: missense variant.
Genome position (GRCh38, 1-based): chr16:67,620,779, A>T. VCF-style: chr16-67620779-A-T. GRCh37 (hg19) VCF-style: chr16-67654682-A-T.
Other names: c.185A>T, p.Asp62Val (NM_001191022.2); c.1169A>T, p.Asp390Val (NM_001363916.2); short protein forms D390V, D62V.
Identifiers: ClinVar variation 1738942 (VCV001738942.2), dbSNP rs2543470728, ClinGen allele CA396315069.